The following is an entry in ClinVar:

ClinVar aggregate classification (germline): Uncertain significance (1 of 4 stars; one submission).

Submission:

GeneDx
Classification: Uncertain significance. Last evaluated: 2022-06-27. Review status: criteria provided, single submitter. Criteria: GeneDx Variant Classification Process June 2021. Collection method: clinical testing. Allele origin: germline. Affected: yes.
Comment: Not observed at significant frequency in large population cohorts (gnomAD); In silico analysis supports that this missense variant has a deleterious effect on protein structure/function; Has not been previously published as pathogenic or benign to our knowledge

NM_015512.5(DNAH1):c.4799T>C (p.Ile1600Thr)

Gene: DNAH1 (dynein axonemal heavy chain 1; plus strand). Cytogenetic location: 3p21.1.
Variant type: single nucleotide variant.
Coding change: c.4799T>C on transcript NM_015512.5 (MANE Select); coding-DNA position 4799, T replaced by C.
Protein change: p.Ile1600Thr; replaces isoleucine 1600 with threonine.
Molecular consequence: missense variant.
Genome position (GRCh38, 1-based): chr3:52,361,277, T>C. VCF-style: chr3-52361277-T-C. GRCh37 (hg19) VCF-style: chr3-52395293-T-C.
Other names: short protein forms I1600T.
Identifiers: ClinVar variation 1809833 (VCV001809833.1), dbSNP rs2471209069, ClinGen allele CA353134089.
Genomic context (GRCh38, chr3:52,361,277, plus strand): 5'-CTGGCCCAGCTGGCACAGGCAAAACTGAGACCACCAAAGACCTGGGTAAGGCCTTGGCCA[T>C]ACAGACCGTTGTGTTCAACTGCTCTGACCAGCTCGACTTCATGGCCATGGGCAAGTTCTT-3'
Protein context (NP_056327.4, residues 1590-1610): TTKDLGKALA[Ile1600Thr]QTVVFNCSDQ